The following is an entry in ClinVar:

ClinVar aggregate classification (germline): Likely benign. Review status: criteria provided, multiple submitters, no conflicts (2 of 4 stars). 4 submissions from 4 submitters: Likely benign (3). 1 of the submissions does not count toward it. Last evaluated 2026-02-01.

Conditions:
MHC class I deficiency. Identifiers: Orphanet 34592, MedGen C6024714, MONDO:0011476.
TAP1-related disorder. Also called: TAP1-related condition.

Allele frequency attached by ClinVar (database versions not stated): 1000 Genomes Project 0.00020; ESP Exome Variant Server 0.00047; ExAC 0.00049; 1000 Genomes Project 30x 0.00031; TOPMed 0.00031; gnomAD exomes 0.00052 and 0.00039; gnomAD 0.00065 and 0.00064.
gnomAD v4.1: 664 of 1,612,682 alleles (0.041%); highest among the groups gnomAD compares: Non-Finnish European, 0.041%; 1 homozygote.

Submissions (4):

Labcorp Genetics (formerly Invitae), Labcorp
Classification: Likely benign for MHC class I deficiency 1. Last evaluated: 2026-02-01. Review status: criteria provided, single submitter. Criteria: Invitae Variant Classification Sherloc (09022015). Collection method: clinical testing. Allele origin: germline.

Women's Health and Genetics/Laboratory Corporation of America, LabCorp
Classification: Likely benign. Last evaluated: 2025-07-10. Review status: criteria provided, single submitter. Criteria: LabCorp Variant Classification Summary - May 2015. Collection method: clinical testing. Allele origin: germline.
Comment: Variant summary: TAP1 c.484G>A (p.Val162Met) results in a conservative amino acid change in the encoded protein sequence. Algorithms developed to predict the effect of missense changes on protein structure and function all suggest that this variant is likely to be tolerated. The variant allele was found at a frequency of 0.00052 in 243878 control chromosomes, predominantly at a frequency of 0.0025 within the Finnish subpopulation in the gnomAD database. The observed variant frequency within Finnish control individuals in the gnomAD database exceeds the estimated maximal expected allele frequency for a pathogenic variant in TAP1 causing MHC Class I Deficiency phenotype. To our knowledge, no occurrence of c.484G>A in individuals affected with MHC Class I Deficiency and no experimental evidence demonstrating its impact on protein function have been reported. ClinVar contains an entry for this variant (Variation ID: 791724). Based on the evidence outlined above, the variant was classified as likely benign.

Breakthrough Genomics
Classification: Likely benign. Review status: criteria provided, single submitter. Criteria: ACMG Guidelines, 2015. Collection method: not provided. Allele origin: germline. Inheritance: Autosomal recessive inheritance. Affected: yes.

PreventionGenetics, part of Exact Sciences
Classification: Likely benign for TAP1-related condition. Last evaluated: 2022-05-04. Review status: no assertion criteria provided. Collection method: clinical testing. Allele origin: germline. Not counted in ClinVar's aggregate classification.
Comment: This variant is classified as likely benign based on ACMG/AMP sequence variant interpretation guidelines (Richards et al. 2015 PMID: 25741868, with internal and published modifications).

NM_000593.6(TAP1):c.484G>A (p.Val162Met)

Gene: TAP1 (transporter 1, ATP binding cassette subfamily B member; minus strand). Cytogenetic location: 6p21.32.
Variant type: single nucleotide variant.
Coding change: c.484G>A on transcript NM_000593.6 (MANE Select); coding-DNA position 484, G replaced by A.
Protein change: p.Val162Met; replaces valine 162 with methionine.
Molecular consequence: missense variant.
Genome position (GRCh38, 1-based): chr6:32,853,153, C>T on the plus strand (G>A on the coding strand, the complement: TAP1 is on the minus strand). VCF-style: chr6-32853153-C-T. GRCh37 (hg19) VCF-style: chr6-32820930-C-T.
Other names: short protein forms V222M, V162M.
Identifiers: ClinVar variation 791724 (VCV000791724.14), dbSNP rs147255912, ClinGen allele CA3747008.